The following is an entry in ClinVar:

NM_003738.5(PTCH2):c.815C>T (p.Ala272Val)

Gene: PTCH2 (patched 2; minus strand). Cytogenetic location: 1p34.1.
Variant type: single nucleotide variant.
Coding change: c.815C>T on transcript NM_003738.5 (MANE Select); coding-DNA position 815, C replaced by T.
Protein change: p.Ala272Val; replaces alanine 272 with valine.
Molecular consequence: missense variant.
Genome position (GRCh38, 1-based): chr1:44,830,029, G>A on the plus strand (C>T on the coding strand, the complement: PTCH2 is on the minus strand). VCF-style: chr1-44830029-G-A. GRCh37 (hg19) VCF-style: chr1-45295701-G-A.
Other names: c.815C>T, p.Ala272Val (NM_001166292.2); short protein forms A272V.
Identifiers: ClinVar variation 2705332 (VCV002705332.3), dbSNP rs532830187, ClinGen allele CA340105211.

ClinVar aggregate classification (germline): Uncertain significance (1 of 4 stars; one submission).

Conditions:
Gorlin syndrome. Also called: Nevoid Basal Cell Carcinoma Syndrome; Basal cell nevus syndrome. Identifiers: Orphanet 377, MedGen C0004779, MONDO:0007187.

gnomAD v4.1: 44 of 1,614,064 alleles (0.0027%); highest among the groups gnomAD compares: Non-Finnish European, 0.0037%; no homozygotes.

Submission:

Labcorp Genetics (formerly Invitae), Labcorp
Classification: Uncertain significance for Gorlin syndrome. Last evaluated: 2023-03-02. Review status: criteria provided, single submitter. Criteria: Invitae Variant Classification Sherloc (09022015). Collection method: clinical testing. Allele origin: germline.
Comment: This variant has not been reported in the literature in individuals affected with PTCH2-related conditions. Algorithms developed to predict the effect of missense changes on protein structure and function output the following: SIFT: "Not Available"; PolyPhen-2: "Benign"; Align-GVGD: "Not Available". The valine amino acid residue is found in multiple mammalian species, which suggests that this missense change does not adversely affect protein function. In summary, the available evidence is currently insufficient to determine the role of this variant in disease. Therefore, it has been classified as a Variant of Uncertain Significance. This variant is not present in population databases (gnomAD no frequency). This sequence change replaces alanine, which is neutral and non-polar, with valine, which is neutral and non-polar, at codon 272 of the PTCH2 protein (p.Ala272Val).